The following is an entry in ClinVar:

ClinVar aggregate classification (germline): Likely benign. Review status: criteria provided, multiple submitters, no conflicts (2 of 4 stars). 3 submissions from 3 submitters: Likely benign (3). Last evaluated 2025-07-21.

Conditions:
KIF11-related disorder. Also called: KIF11-related condition.

Allele frequency attached by ClinVar (database versions not stated): TOPMed 0.00001; gnomAD 0.00009 and 0.00002; 1000 Genomes Project 30x 0.00016; gnomAD exomes 0.00016 and 0.00006; 1000 Genomes Project 0.00020; ExAC 0.00007.
gnomAD v4.1: 249 of 1,613,736 alleles (0.015%); highest among the groups gnomAD compares: East Asian, 0.54%; 1 homozygote.

Submissions (3):

Labcorp Genetics (formerly Invitae), Labcorp
Classification: Likely benign. Last evaluated: 2025-07-21. Review status: criteria provided, single submitter. Criteria: Invitae Variant Classification Sherloc (09022015). Collection method: clinical testing. Allele origin: germline.

PreventionGenetics, part of Exact Sciences
Classification: Likely benign for KIF11-related condition. Last evaluated: 2025-02-11. Review status: criteria provided, single submitter. Criteria: ACMG Guidelines, 2015. Collection method: clinical testing. Allele origin: germline.
Comment: This variant is classified as likely benign based on ACMG/AMP sequence variant interpretation guidelines (Richards et al. 2015 PMID: 25741868, with internal and published modifications).

Blueprint Genetics
Classification: Likely benign. Last evaluated: 2021-06-24. Review status: criteria provided, single submitter. Criteria: ACMG Guidelines, 2015. Collection method: clinical testing. Allele origin: germline.

NM_004523.4(KIF11):c.1539C>T (p.Leu513=)

Gene: KIF11 (kinesin family member 11; plus strand). Cytogenetic location: 10q23.33.
Variant type: single nucleotide variant.
Coding change: c.1539C>T on transcript NM_004523.4 (MANE Select); coding-DNA position 1539, C replaced by T.
Protein change: p.Leu513=; no amino-acid change (leucine 513 retained).
Molecular consequence: synonymous variant.
Genome position (GRCh38, 1-based): chr10:92,632,530, C>T. VCF-style: chr10-92632530-C-T. GRCh37 (hg19) VCF-style: chr10-94392287-C-T.
Other names: c.1539C>T (NM_004523.3).
Identifiers: ClinVar variation 1148343 (VCV001148343.11), dbSNP rs2275217, ClinGen allele CA5604222.